The following is an entry in ClinVar:

ClinVar aggregate classification (germline): Uncertain significance (1 of 4 stars; one submission).

Conditions:
Cortical dysplasia, complex, with other brain malformations 13. Also called: Intellectual disability, autosomal dominant 13. Identifiers: MedGen C3281202, MONDO:0013805, OMIM 614563.

Submission:

MVZ Medizinische Genetik Mainz
Classification: Uncertain significance for Cortical dysplasia, complex, with other brain malformations 13. Last evaluated: 2024-07-01. Review status: criteria provided, single submitter. Criteria: UK Practice Guidelines For Variant Classification V4 01 2020. Collection method: clinical testing. Allele origin: germline. Inheritance: Autosomal dominant inheritance. Affected: yes. Observed: 1 variant allele.
Comment: ACMG Criteria: PVS1_MOD,PM2_SUP

NM_001376.5(DYNC1H1):c.13108_13114del (p.Ser4370fs)

Gene: DYNC1H1 (dynein cytoplasmic 1 heavy chain 1; plus strand). Cytogenetic location: 14q32.31.
Variant type: Deletion.
Coding change: c.13108_13114del on transcript NM_001376.5 (MANE Select); coding-DNA positions 13108 to 13114, 7 bases deleted (TCCGACG; older notation c.13108_13114delTCCGACG).
Protein change: p.Ser4370fs; shifts the reading frame from serine 4370.
Molecular consequence: frameshift variant.
Genome position (GRCh38, 1-based): chr14:102,047,918-102,047,924, TCCGACG deleted; deleting any 7 consecutive bases within chr14:102,047,915-102,047,924 gives the same sequence; the c. name uses the placement nearest the transcript's 3' end. VCF-style (leftmost placement, unchanged base first): chr14-102047914-CACGTCCG-C. GRCh37 (hg19) VCF-style: chr14-102514251-CACGTCCG-C.
Other names: short protein forms S4370fs.
Identifiers: ClinVar variation 3256649 (VCV003256649.1).